The following is an entry in ClinVar:

NM_000362.5(TIMP3):c.316+5T>C

Genes: SYN3 (synapsin III; minus strand), TIMP3 (TIMP metallopeptidase inhibitor 3; plus strand). Cytogenetic location: 22q12.3.
Variant type: single nucleotide variant.
Coding change: c.316+5T>C on transcript NM_000362.5 (MANE Select); 5 bases into the intron after coding-DNA position 316, T replaced by C.
Molecular consequence: intron variant.
Genome position (GRCh38, 1-based): chr22:32,857,365, T>C. VCF-style: chr22-32857365-T-C. GRCh37 (hg19) VCF-style: chr22-33253352-T-C.
Other names: c.708+7550A>G (NM_001369909.1, NM_001135774.2, NM_001369910.1); c.711+7550A>G (NM_001369907.1, NM_003490.4, NM_001369908.1 and 1 more transcripts).
Identifiers: ClinVar variation 958541 (VCV000958541.8), dbSNP rs371758873, ClinGen allele CA10202220.

ClinVar aggregate classification (germline): Conflicting classifications of pathogenicity. Review status: criteria provided, conflicting classifications (1 of 4 stars). 2 submissions from 2 submitters: Uncertain significance (1); Likely benign (1). Last evaluated 2026-02-03.

Allele frequency attached by ClinVar (database versions not stated): gnomAD exomes 0.00004 and 0.00015; ExAC 0.00006; TOPMed 0.00006; gnomAD 0.00008 and 0.00009; ESP Exome Variant Server 0.00015.
gnomAD v4.1: 232 of 1,610,158 alleles (0.014%); highest among the groups gnomAD compares: Non-Finnish European, 0.019%; no homozygotes.

Submissions (2):

Labcorp Genetics (formerly Invitae), Labcorp
Classification: Uncertain significance. Last evaluated: 2026-02-03. Review status: criteria provided, single submitter. Criteria: Invitae Variant Classification Sherloc (09022015). Collection method: clinical testing. Allele origin: germline.
Comment: This sequence change falls in intron 3 of the TIMP3 gene. It does not directly change the encoded amino acid sequence of the TIMP3 protein. It affects a nucleotide within the consensus splice site. This variant is present in population databases (rs371758873, gnomAD 0.01%). This variant has not been reported in the literature in individuals affected with TIMP3-related conditions. ClinVar contains an entry for this variant (Variation ID: 958541). Variants that disrupt the consensus splice site are a relatively common cause of aberrant splicing (PMID: 17576681, 9536098). Algorithms developed to predict the effect of sequence changes on RNA splicing suggest that this variant is not likely to affect RNA splicing. In summary, the available evidence is currently insufficient to determine the role of this variant in disease. Therefore, it has been classified as a Variant of Uncertain Significance.

Blueprint Genetics
Classification: Likely benign. Last evaluated: 2022-05-05. Review status: criteria provided, single submitter. Criteria: ACMG Guidelines, 2015. Collection method: clinical testing. Allele origin: germline.

Literature cited by the submitters: PubMed 17576681 (cited by Labcorp Genetics (formerly Invitae), Labcorp); PubMed 9536098 (cited by Labcorp Genetics (formerly Invitae), Labcorp).